The following is an entry in ClinVar:

NM_001369268.1(ACAN):c.5858del (p.Glu1953fs)

Gene: ACAN (aggrecan; plus strand). Cytogenetic location: 15q26.1.
Variant type: Deletion.
Coding change: c.5858del on transcript NM_001369268.1 (MANE Select); coding-DNA position 5858, one base deleted (A; older notation c.5858delA).
Protein change: p.Glu1953fs; shifts the reading frame from glutamic acid 1953.
Molecular consequence: frameshift variant.
Genome position (GRCh38, 1-based): chr15:88,858,443, A deleted. VCF-style (leftmost placement, unchanged base first): chr15-88858442-GA-G. GRCh37 (hg19) VCF-style: chr15-89401673-GA-G.
Other names: c.5858del, p.Glu1953fs (NM_001135.4, NM_013227.4); c.5858delA, p.Glu1953Glyfs (NM_001411096.1, NM_001411097.1); short protein forms E1953fs.
Identifiers: ClinVar variation 1709437 (VCV001709437.2), dbSNP rs2505328579, ClinGen allele CA2580090131.

ClinVar aggregate classification (germline): Likely pathogenic (1 of 4 stars; one submission).

Conditions:
Short stature and advanced bone age, with or without early-onset osteoarthritis and/or osteochondritis dissecans (SSOAOD). Identifiers: Orphanet 251262, MedGen C3665488, MONDO:0100462, OMIM 165800.

Submission:

MGZ Medical Genetics Center
Classification: Likely pathogenic for Short stature and advanced bone age, with or without early-onset osteoarthritis and/or osteochondritis dissecans. Last evaluated: 2022-05-18. Review status: criteria provided, single submitter. Criteria: ACMG Guidelines, 2015. Collection method: clinical testing. Allele origin: germline. Affected: yes. Observed: 1 variant allele.
Comment: ACMG criteria applied: PVS1, PM2_SUP